The following is an entry in ClinVar:

NM_004793.4(LONP1):c.2140A>C (p.Lys714Gln)

Gene: LONP1 (lon peptidase 1, mitochondrial; minus strand). Cytogenetic location: 19p13.3.
Variant type: single nucleotide variant.
Coding change: c.2140A>C on transcript NM_004793.4 (MANE Select); coding-DNA position 2140, A replaced by C.
Protein change: p.Lys714Gln; replaces lysine 714 with glutamine.
Molecular consequence: missense variant. On other transcripts: non-coding transcript variant (1).
Genome position (GRCh38, 1-based): chr19:5,694,775, T>G on the plus strand (A>C on the coding strand, the complement: LONP1 is on the minus strand). VCF-style: chr19-5694775-T-G. GRCh37 (hg19) VCF-style: chr19-5694786-T-G.
Other names: c.1948A>C, p.Lys650Gln (NM_001276479.2); c.1552A>C, p.Lys518Gln (NM_001276480.1); short protein forms K518Q, K650Q, K714Q.
Identifiers: ClinVar variation 2649121 (VCV002649121.24), dbSNP rs2512386697, ClinGen allele CA403528077.

ClinVar aggregate classification (germline): Uncertain significance (1 of 4 stars; one submission).

Submission:

CeGaT Center for Human Genetics Tuebingen
Classification: Uncertain significance. Last evaluated: 2023-03-01. Review status: criteria provided, single submitter. Criteria: CeGaT Center For Human Genetics Tuebingen Variant Classification Criteria Version 2. Collection method: clinical testing. Allele origin: germline. Affected: yes. Observed: 1 variant allele.
Comment: LONP1: PM2